The following is an entry in ClinVar:

ClinVar aggregate classification (germline): Pathogenic (1 of 4 stars; one submission).

Submission:

Labcorp Genetics (formerly Invitae), Labcorp
Classification: Pathogenic. Last evaluated: 2023-02-11. Review status: criteria provided, single submitter. Criteria: Invitae Variant Classification Sherloc (09022015). Collection method: clinical testing. Allele origin: germline.
Comment: This sequence change creates a premature translational stop signal (p.Arg5482Aspfs*8) in the ADGRV1 gene. It is expected to result in an absent or disrupted protein product. Loss-of-function variants in ADGRV1 are known to be pathogenic (PMID: 19357117, 22135276, 22147658, 26226137, 30718709, 31047384, 32467589). This variant is not present in population databases (gnomAD no frequency). This variant has not been reported in the literature in individuals affected with ADGRV1-related conditions. For these reasons, this variant has been classified as Pathogenic.

Literature cited by the submitters: PubMed 19357117; PubMed 22135276; PubMed 22147658; PubMed 26226137; PubMed 30718709; PubMed 31047384; PubMed 32467589.

NM_032119.4(ADGRV1):c.16443del (p.Arg5482fs)

Gene: ADGRV1 (adhesion G protein-coupled receptor V1; plus strand). Cytogenetic location: 5q14.3.
Variant type: Deletion.
Coding change: c.16443del on transcript NM_032119.4 (MANE Select); coding-DNA position 16443, one base deleted (C; older notation c.16443delC).
Protein change: p.Arg5482fs; shifts the reading frame from arginine 5482.
Molecular consequence: frameshift variant. On other transcripts: non-coding transcript variant (1).
Genome position (GRCh38, 1-based): chr5:90,829,018, C deleted; the last of 2 consecutive C bases (chr5:90,829,017-90,829,018); deleting either gives the same sequence. VCF-style (leftmost placement, unchanged base first): chr5-90829016-GC-G. GRCh37 (hg19) VCF-style: chr5-90124833-GC-G.
Other names: short protein forms R5482fs.
Identifiers: ClinVar variation 2836341 (VCV002836341.3), dbSNP rs2532351713, ClinGen allele CA2674578540.